The following is an entry in ClinVar:

ClinVar aggregate classification (germline): Conflicting classifications of pathogenicity. Review status: criteria provided, conflicting classifications (1 of 4 stars). 10 submissions from 10 submitters: Uncertain significance (8); Likely benign (1). 1 of the submissions does not count toward it. Last evaluated 2026-02-03.

Conditions:
Breast-ovarian cancer, familial, susceptibility to, 5 (BROVCA5). Identifiers: MedGen C5830615, MONDO:0957530, OMIM 620442.
Fanconi anemia complementation group N. Also called: PALB2-Related Fanconi Anemia. Identifiers: Orphanet 84, MedGen C1835817, MONDO:0012565, OMIM 610832. Disease mechanism: loss of function.
Pancreatic cancer, susceptibility to, 3. Identifiers: Orphanet 1333, MedGen C3150547, MONDO:0013236, OMIM 613348.
Hereditary cancer-predisposing syndrome. Also called: Tumor predisposition; Neoplastic Syndromes, Hereditary; Hereditary neoplastic syndrome; Hereditary Cancer Syndrome. Identifiers: Orphanet 140162, MedGen C0027672, MeSH D009386, MONDO:0015356.
Familial cancer of breast. Also called: BREAST CANCER, FAMILIAL; hereditary breast carcinoma; Hereditary breast cancer. Identifiers: Orphanet 227535, MedGen C0346153, MONDO:0016419, OMIM 114480. Disease mechanism: loss of function.

Submissions (10):

Labcorp Genetics (formerly Invitae), Labcorp
Classification: Uncertain significance for Familial cancer of breast. Last evaluated: 2026-02-03. Review status: criteria provided, single submitter. Criteria: Invitae Variant Classification Sherloc (09022015). Collection method: clinical testing. Allele origin: germline.
Comment: This variant, c.2507_2509del, results in the deletion of 1 amino acid(s) of the PALB2 protein (p.Val836del), but otherwise preserves the integrity of the reading frame. This variant is present in population databases (rs587782697, gnomAD 0.0009%). This variant has not been reported in the literature in individuals affected with PALB2-related conditions. ClinVar contains an entry for this variant (Variation ID: 142756). Experimental studies and prediction algorithms are not available or were not evaluated, and the functional significance of this variant is currently unknown. In summary, the available evidence is currently insufficient to determine the role of this variant in disease. Therefore, it has been classified as a Variant of Uncertain Significance.

Institute for Biomarker Research, Medical Diagnostic Laboratories, L.L.C.
Classification: Uncertain significance for Hereditary cancer-predisposing syndrome. Last evaluated: 2025-05-27. Review status: criteria provided, single submitter. Criteria: ACMG Guidelines, 2015. Collection method: clinical testing. Allele origin: germline.
Comment: The in-frame deletion NM_024675.4(PALB2):c.2507_2509delTCG (p.Val836del) has not been reported previously as a pathogenic variant, to our knowledge. This variant results in a deletion of a valine at position 836 of the PALB2 gene. However, as this is an in-frame deletion, it is not expected to result in either a truncated protein product or loss of protein through nonsense-mediated mRNA decay. The p.Val836del variant is not in a repeat region. The p.Val836del variant is not predicted to disrupt the existing donor splice site 6bp upstream by any splice site algorithm. The p.Val836del variant is not predicted to introduce a novel splice site by any splice site algorithm. The nucleotide c.2507 in PALB2 is not conserved according to a GERP++ and PhyloP analysis of 100 vertebrates. For these reasons, this variant has been classified as Uncertain Significance.

Ambry Genetics
Classification: Uncertain significance for Hereditary cancer-predisposing syndrome. Last evaluated: 2025-01-13. Review status: criteria provided, single submitter. Criteria: Ambry Variant Classification Scheme 2023. Collection method: clinical testing. Allele origin: germline.
Comment: The c.2507_2509delTCG variant (also known as p.V836del) is located in coding exon 5 of the PALB2 gene. This variant results from an in-frame TCG deletion at nucleotide positions 2507 to 2509. This results in the in-frame deletion of a valine at codon 836. This amino acid position is not well conserved in available vertebrate species. In addition, this alteration is predicted to be inconclusive by in silico analysis (Choi Y et al. PLoS ONE. 2012; 7(10):e46688). Since supporting evidence is limited at this time, the clinical significance of this alteration remains unclear.

Color Diagnostics, LLC DBA Color Health
Classification: Uncertain significance for Hereditary cancer-predisposing syndrome. Last evaluated: 2024-07-01. Review status: criteria provided, single submitter. Criteria: ACMG Guidelines, 2015. Collection method: clinical testing. Allele origin: germline.
Comment: This variant causes an in-frame deletion of one amino acid, valine 836, in the PALB2 protein. To our knowledge, functional studies have not been reported for this variant nor has this variant been reported in individuals affected with hereditary cancer in the literature. This variant has been identified in 1/250508 chromosomes in the general population by the Genome Aggregation Database (gnomAD). The available evidence is insufficient to determine the role of this variant in disease conclusively. Therefore, this variant is classified as a Variant of Uncertain Significance.

GeneDx
Classification: Uncertain significance. Last evaluated: 2024-05-13. Review status: criteria provided, single submitter. Criteria: GeneDx Variant Classification Process June 2021. Collection method: clinical testing. Allele origin: germline. Affected: yes.
Comment: In-frame deletion of 1 amino acid in a non-repeat region; In silico analysis supports a deleterious effect on protein structure/function; Has not been previously published as pathogenic or benign to our knowledge; Not observed at significant frequency in large population cohorts (gnomAD); This variant is associated with the following publications: (PMID: 28825729, 24485656, 19609323)

Fulgent Genetics
Classification: Uncertain significance for Fanconi anemia complementation group N; Pancreatic cancer, susceptibility to, 3; Breast-ovarian cancer, familial, susceptibility to, 5. Last evaluated: 2024-02-14. Review status: criteria provided, single submitter. Criteria: ACMG Guidelines, 2015. Collection method: clinical testing. Allele origin: germline.

Baylor Genetics
Classification: Uncertain significance for Familial cancer of breast. Last evaluated: 2024-02-13. Review status: criteria provided, single submitter. Criteria: ACMG Guidelines, 2015. Collection method: clinical testing. Allele origin: unknown.

Myriad Genetics, Inc.
Classification: Likely benign for Familial cancer of breast. Last evaluated: 2023-03-31. Review status: criteria provided, single submitter. Criteria: Myriad Autosomal Dominant, Autosomal Recessive and X-Linked Classification Criteria (2023). Collection method: clinical testing. Allele origin: unknown.
Comment: This variant is considered likely benign. This variant is strongly associated with less severe personal and family histories of cancer, typical for individuals without pathogenic variants in this gene [PMID: 25085752].

Quest Diagnostics Nichols Institute San Juan Capistrano
Classification: Uncertain significance. Last evaluated: 2020-07-16. Review status: criteria provided, single submitter. Criteria: Quest Diagnostics criteria. Collection method: clinical testing. Allele origin: unknown.

Counsyl
Classification: Uncertain significance for Familial cancer of breast. Last evaluated: 2017-02-16. Review status: no assertion criteria provided. Collection method: clinical testing. Allele origin: unknown. Not counted in ClinVar's aggregate classification.

Literature cited by the submitters: PubMed 25085752 (cited by Myriad Genetics, Inc.).

NM_024675.4(PALB2):c.2507_2509del (p.Val836del)

Gene: PALB2 (partner and localizer of BRCA2; minus strand). Cytogenetic location: 16p12.2.
Variant type: Deletion.
Coding change: c.2507_2509del on transcript NM_024675.4 (MANE Select); coding-DNA positions 2507 to 2509, 3 bases deleted (TCG; older notation c.2507_2509delTCG).
Protein change: p.Val836del; deletes valine 836.
Molecular consequence: inframe deletion.
Genome position (GRCh38, 1-based): chr16:23,629,645-23,629,647, CGA deleted on the plus strand (TCG on the coding strand, the reverse complement: PALB2 is on the minus strand); deleting any 3 consecutive bases within chr16:23,629,645-23,629,649 gives the same sequence; the c. name uses the placement nearest the transcript's 3' end. VCF-style (leftmost placement, unchanged base first): chr16-23629644-TCGA-T. GRCh37 (hg19) VCF-style: chr16-23640965-TCGA-T.
Other names: c.2507_2509delTCG (NM_024675.3, NM_024675.4).
Identifiers: ClinVar variation 142756 (VCV000142756.35), dbSNP rs587782697, ClinGen allele CA169333.